The following is an entry in ClinVar:

ClinVar aggregate classification (germline): Benign (1 of 4 stars; one submission).

Allele frequency attached by ClinVar (database versions not stated): 1000 Genomes Project 30x 0.05106; 1000 Genomes Project 0.05331; gnomAD 0.06434 and 0.06636; TOPMed 0.06510.
gnomAD v4.1: 10,110 of 152,228 alleles (6.6%); highest among the groups gnomAD compares: Middle Eastern, 18%; 432 homozygotes.

Submission:

GeneDx
Classification: Benign. Last evaluated: 2018-06-14. Review status: criteria provided, single submitter. Criteria: GeneDx Variant Classification (06012015). Collection method: clinical testing. Allele origin: germline. Affected: yes.
Comment: This variant is considered likely benign or benign based on one or more of the following criteria: it is a conservative change, it occurs at a poorly conserved position in the protein, it is predicted to be benign by multiple in silico algorithms, and/or has population frequency not consistent with disease.

NM_001103.4(ACTN2):c.1255+321G>A

Gene: ACTN2 (actinin alpha 2; plus strand). Cytogenetic location: 1q43.
Variant type: single nucleotide variant.
Coding change: c.1255+321G>A on transcript NM_001103.4 (MANE Select); 321 bases into the intron after coding-DNA position 1255, G replaced by A.
Molecular consequence: intron variant.
Genome position (GRCh38, 1-based): chr1:236,743,364, G>A. VCF-style: chr1-236743364-G-A. GRCh37 (hg19) VCF-style: chr1-236906664-G-A.
Other names: c.631+321G>A (NM_001278344.2); c.1255+321G>A (NM_001278343.2).
Identifiers: ClinVar variation 669518 (VCV000669518.1), dbSNP rs12737976, ClinGen allele CA39729366.
Genomic context (GRCh38, chr1:236,743,364, plus strand): 5'-TGGCCTCCTTCCATGTTTTCTGTTTGATTCCACAAGTATCCACTCATTCCCTAACTGGTA[G>A]TCAGATAGCCCTGGGCCAACCACTAGCCTCTGCCAGTAGAATATATATTAAATGCCACAG-3'